The following is an entry in ClinVar:

ClinVar aggregate classification (germline): Uncertain significance (1 of 4 stars; one submission).

Conditions:
Multiple gastrointestinal atresias. Also called: Multiple intestinal atresia; FAMILIAL INTESTINAL POLYATRESIA SYNDROME. Identifiers: Orphanet 2300, MedGen C0220744, MONDO:0009465.

Submission:

Labcorp Genetics (formerly Invitae), Labcorp
Classification: Uncertain significance for Multiple gastrointestinal atresias. Last evaluated: 2022-09-06. Review status: criteria provided, single submitter. Criteria: Invitae Variant Classification Sherloc (09022015). Collection method: clinical testing. Allele origin: germline.
Comment: ClinVar contains an entry for this variant (Variation ID: 958248). In summary, the available evidence is currently insufficient to determine the role of this variant in disease. Therefore, it has been classified as a Variant of Uncertain Significance. Experimental studies and prediction algorithms are not available or were not evaluated, and the functional significance of this variant is currently unknown. This variant has not been reported in the literature in individuals affected with TTC7A-related conditions. This variant is not present in population databases (gnomAD no frequency). This variant, c.500_502del, results in the deletion of 1 amino acid(s) of the TTC7A protein (p.Glu167del), but otherwise preserves the integrity of the reading frame.

NM_020458.4(TTC7A):c.500_502del (p.Glu167del)

Gene: TTC7A (tetratricopeptide repeat domain 7A; plus strand). Cytogenetic location: 2p21.
Variant type: Deletion.
Coding change: c.500_502del on transcript NM_020458.4 (MANE Select); coding-DNA positions 500 to 502, 3 bases deleted (AGG; older notation c.500_502delAGG).
Protein change: p.Glu167del; deletes glutamic acid 167.
Molecular consequence: inframe deletion. On other transcripts: 5 prime UTR variant (1).
Genome position (GRCh38, 1-based): chr2:46,956,990-46,956,992, AGG deleted; deleting any 3 consecutive bases within chr2:46,956,988-46,956,992 gives the same sequence; the c. name uses the placement nearest the transcript's 3' end. VCF-style (leftmost placement, unchanged base first): chr2-46956987-CGGA-C. GRCh37 (hg19) VCF-style: chr2-47184126-CGGA-C.
Other names: c.500_502del, p.Glu167del (NM_001288951.2); c.398_400del, p.Glu133del (NM_001288953.2); c.-405_-403del (NM_001288955.2); short protein forms E167del, E133del.
Identifiers: ClinVar variation 958248 (VCV000958248.10), dbSNP rs1671924469, ClinGen allele CA1139656954.